The following is an entry in ClinVar:

ClinVar aggregate classification (germline): Uncertain significance (1 of 4 stars; one submission).

Submission:

GeneDx
Classification: Uncertain significance. Last evaluated: 2023-05-26. Review status: criteria provided, single submitter. Criteria: GeneDx Variant Classification Process June 2021. Collection method: clinical testing. Allele origin: germline. Affected: yes.
Comment: Not observed at significant frequency in large population cohorts (gnomAD); In silico analysis supports that this missense variant does not alter protein structure/function; Has not been previously published as pathogenic or benign to our knowledge

NM_001378454.1(ALMS1):c.9067T>G (p.Ser3023Ala)

Gene: ALMS1 (ALMS1 centrosome and basal body associated protein; plus strand). Cytogenetic location: 2p13.1.
Variant type: single nucleotide variant.
Coding change: c.9067T>G on transcript NM_001378454.1 (MANE Select); coding-DNA position 9067, T replaced by G.
Protein change: p.Ser3023Ala; replaces serine 3023 with alanine.
Molecular consequence: missense variant.
Genome position (GRCh38, 1-based): chr2:73,491,026, T>G. VCF-style: chr2-73491026-T-G. GRCh37 (hg19) VCF-style: chr2-73718153-T-G.
Other names: c.9070T>G, p.Ser3024Ala (NM_015120.4); short protein forms S3023A, S3024A.
Identifiers: ClinVar variation 3361951 (VCV003361951.1).
Genomic context (GRCh38, chr2:73,491,026, plus strand): 5'-CCTAAATCACACATTTCTAATATAAATGTTGAAGCCAAGTTCAATACTGTGGTCTCCCAG[T>G]CAGCCCCAAATCACTGTACATTAGCAGCATCTGCATCTACTCCTCCTTCAAATAGAAAAG-3'
Protein context (NP_001365383.1, residues 3013-3033): EAKFNTVVSQ[Ser3023Ala]APNHCTLAAS